The following is an entry in ClinVar:

NM_000440.3(PDE6A):c.707G>T (p.Arg236Leu)

Gene: PDE6A (phosphodiesterase 6A; minus strand). Cytogenetic location: 5q32.
Variant type: single nucleotide variant.
Coding change: c.707G>T on transcript NM_000440.3 (MANE Select); coding-DNA position 707, G replaced by T.
Protein change: p.Arg236Leu; replaces arginine 236 with leucine.
Molecular consequence: missense variant.
Genome position (GRCh38, 1-based): chr5:149,933,940, C>A on the plus strand (G>T on the coding strand, the complement: PDE6A is on the minus strand). VCF-style: chr5-149933940-C-A. GRCh37 (hg19) VCF-style: chr5-149313503-C-A.
Other names: short protein forms R236L.
Identifiers: ClinVar variation 835856 (VCV000835856.9), dbSNP rs145035471, ClinGen allele CA3504983.

ClinVar aggregate classification (germline): Uncertain significance. Review status: criteria provided, multiple submitters, no conflicts (2 of 4 stars). 2 submissions from 2 submitters: Uncertain significance (2). Last evaluated 2025-12-01.

Conditions:
Inborn genetic diseases. Identifiers: MedGen C0950123, MeSH D030342.

Allele frequency attached by ClinVar (database versions not stated): gnomAD 0.00009 and 0.00011; TOPMed 0.00011; ESP Exome Variant Server 0.00023.
gnomAD v4.1: 29 of 1,612,762 alleles (0.0018%); highest among the groups gnomAD compares: African/African-American, 0.029%; no homozygotes.

Submissions (2):

Labcorp Genetics (formerly Invitae), Labcorp
Classification: Uncertain significance. Last evaluated: 2025-12-01. Review status: criteria provided, single submitter. Criteria: Invitae Variant Classification Sherloc (09022015). Collection method: clinical testing. Allele origin: germline.
Comment: This sequence change replaces arginine, which is basic and polar, with leucine, which is neutral and non-polar, at codon 236 of the PDE6A protein (p.Arg236Leu). This variant is present in population databases (rs145035471, gnomAD 0.03%). This variant has not been reported in the literature in individuals affected with PDE6A-related conditions. ClinVar contains an entry for this variant (Variation ID: 835856). Invitae Evidence Modeling of protein sequence and biophysical properties (such as structural, functional, and spatial information, amino acid conservation, physicochemical variation, residue mobility, and thermodynamic stability) has been performed for this missense variant. However, the output from this modeling did not meet the statistical confidence thresholds required to predict the impact of this variant on PDE6A protein function. In summary, the available evidence is currently insufficient to determine the role of this variant in disease. Therefore, it has been classified as a Variant of Uncertain Significance.

Ambry Genetics
Classification: Uncertain significance for Inborn genetic diseases. Last evaluated: 2024-12-05. Review status: criteria provided, single submitter. Criteria: Ambry Variant Classification Scheme 2023. Collection method: clinical testing. Allele origin: germline.